The following is an entry in ClinVar:

ClinVar aggregate classification (germline): Uncertain significance. Review status: criteria provided, multiple submitters, no conflicts (2 of 4 stars). 2 submissions from 2 submitters: Uncertain significance (2). Last evaluated 2024-02-29.

Conditions:
Bethlem myopathy 1A. Also called: MYOPATHY, BENIGN CONGENITAL, WITH CONTRACTURES; Bethlem Muscular Dystrophy; Bethlem myopathy 1. Identifiers: Orphanet 610, MedGen CN029274, MONDO:0024530, OMIM 158810.

gnomAD v4.1: 12 of 1,607,662 alleles (0.00075%); highest among the groups gnomAD compares: Middle Eastern, 0.05%; no homozygotes.

Submissions (2):

Revvity Omics, Revvity
Classification: Uncertain significance. Last evaluated: 2024-02-29. Review status: criteria provided, single submitter. Criteria: ACMG Guidelines, 2015. Collection method: clinical testing. Allele origin: germline.

Labcorp Genetics (formerly Invitae), Labcorp
Classification: Uncertain significance for Bethlem myopathy 1A. Last evaluated: 2022-06-13. Review status: criteria provided, single submitter. Criteria: Invitae Variant Classification Sherloc (09022015). Collection method: clinical testing. Allele origin: germline.
Comment: This variant is not present in population databases (gnomAD no frequency). This variant has not been reported in the literature in individuals affected with COL6A2-related conditions. Advanced modeling of protein sequence and biophysical properties (such as structural, functional, and spatial information, amino acid conservation, physicochemical variation, residue mobility, and thermodynamic stability) performed at Invitae indicates that this missense variant is not expected to disrupt COL6A2 protein function. In summary, the available evidence is currently insufficient to determine the role of this variant in disease. Therefore, it has been classified as a Variant of Uncertain Significance. This sequence change replaces arginine, which is basic and polar, with glycine, which is neutral and non-polar, at codon 853 of the COL6A2 protein (p.Arg853Gly).

NM_001849.4(COL6A2):c.2557C>G (p.Arg853Gly)

Gene: COL6A2 (collagen type VI alpha 2 chain; plus strand). Cytogenetic location: 21q22.3.
Variant type: single nucleotide variant.
Coding change: c.2557C>G on transcript NM_001849.4 (MANE Select); coding-DNA position 2557, C replaced by G.
Protein change: p.Arg853Gly; replaces arginine 853 with glycine.
Molecular consequence: missense variant.
Genome position (GRCh38, 1-based): chr21:46,132,049, C>G. VCF-style: chr21-46132049-C-G. GRCh37 (hg19) VCF-style: chr21-47551963-C-G.
Other names: short protein forms R853G.
Identifiers: ClinVar variation 1413474 (VCV001413474.8), dbSNP rs759689002, ClinGen allele CA410548363.
Genomic context (GRCh38, chr21:46,132,049, plus strand): 5'-GACATCGTCTTCCTGCTGGACGGCTCCGAGCGGCTGGGTGAGCAGAACTTCCACAAGGCC[C>G]GGCGCTTCGTGGAGCAGGTGGCGCGGCGGCTGACGCTGGCCCGGAGGGACGACGACCCTC-3'
Protein context (NP_001840.3, residues 843-863): RLGEQNFHKA[Arg853Gly]RFVEQVARRL